The following is an entry in ClinVar:

ClinVar aggregate classification (germline): Pathogenic. Review status: criteria provided, multiple submitters, no conflicts (2 of 4 stars). 2 submissions from 2 submitters: Pathogenic (2). Last evaluated 2022-08-16.

Conditions:
Von Hippel-Lindau syndrome (VHLS). Also called: Von Hippel-Lindau; von Hippel–Lindau syndrome; VHL syndrome. Identifiers: Orphanet 892, MedGen C0019562, MONDO:0008667, OMIM 193300. Disease mechanism: loss of function.
Chuvash polycythemia. Also called: POLYCYTHEMIA, VHL-DEPENDENT. Identifiers: Orphanet 238557, MedGen C1837915, MONDO:0009892, OMIM 263400.

Submissions (2):

Labcorp Genetics (formerly Invitae), Labcorp
Classification: Pathogenic for Von Hippel-Lindau syndrome; Chuvash polycythemia. Last evaluated: 2022-08-16. Review status: criteria provided, single submitter. Criteria: Invitae Variant Classification Sherloc (09022015). Collection method: clinical testing. Allele origin: germline.
Comment: This sequence change creates a premature translational stop signal (p.Val87Tyrfs*72) in the VHL gene. It is expected to result in an absent or disrupted protein product. Loss-of-function variants in VHL are known to be pathogenic (PMID: 8956040, 12202531, 29891534, 31350093). This variant is not present in population databases (gnomAD no frequency). This variant has not been reported in the literature in individuals affected with VHL-related conditions. ClinVar contains an entry for this variant (Variation ID: 220487). For these reasons, this variant has been classified as Pathogenic.

Genomic Diagnostic Laboratory, Division of Genomic Diagnostics, Children's Hospital of Philadelphia
Classification: Pathogenic for von Hippel-Lindau syndrome. Last evaluated: 2018-08-01. Review status: criteria provided, single submitter. Criteria: DGD Variant Analysis Guidelines. Collection method: clinical testing. Allele origin: germline. Affected: yes. Observed: 1 variant allele.

Literature cited by the submitters: PubMed 8956040 (cited by Labcorp Genetics (formerly Invitae), Labcorp); PubMed 12202531 (cited by Labcorp Genetics (formerly Invitae), Labcorp); PubMed 29891534 (cited by Labcorp Genetics (formerly Invitae), Labcorp); PubMed 31350093 (cited by Labcorp Genetics (formerly Invitae), Labcorp).

NM_000551.4(VHL):c.258del (p.Val87fs)

Gene: VHL (von Hippel-Lindau tumor suppressor; plus strand). Cytogenetic location: 3p25.3.
Variant type: Deletion.
Coding change: c.258del on transcript NM_000551.4 (MANE Select); coding-DNA position 258, one base deleted (C; older notation c.258delC).
Protein change: p.Val87fs; shifts the reading frame from valine 87.
Molecular consequence: frameshift variant.
Genome position (GRCh38, 1-based): chr3:10,142,105, C deleted; the last of 3 consecutive C bases (chr3:10,142,103-10,142,105); deleting any one gives the same sequence. VCF-style (leftmost placement, unchanged base first): chr3-10142102-GC-G. GRCh37 (hg19) VCF-style: chr3-10183786-GC-G.
Other names: c.258delC (NM_000551.3); c.258del, p.Val87fs (NM_001354723.2, NM_198156.3); short protein forms V87fs.
Identifiers: ClinVar variation 220487 (VCV000220487.10), dbSNP rs864622545, ClinGen allele CA348305.